The following is an entry in ClinVar:

ClinVar aggregate classification (germline): Pathogenic (1 of 4 stars; one submission).

Conditions:
Cardiovascular phenotype. Identifiers: MedGen CN230736.
Hereditary cancer-predisposing syndrome. Also called: Tumor predisposition; Neoplastic Syndromes, Hereditary; Hereditary Cancer Syndrome; Hereditary neoplastic syndrome. Identifiers: Orphanet 140162, MedGen C0027672, MeSH D009386, MONDO:0015356.

Submission:

Ambry Genetics
Classification: Pathogenic for Cardiovascular phenotype; Hereditary cancer-predisposing syndrome. Last evaluated: 2025-01-20. Review status: criteria provided, single submitter. Criteria: Ambry Variant Classification Scheme 2023. Collection method: clinical testing. Allele origin: germline.
Comment: The c.7371delT pathogenic mutation, located in coding exon 49 of the NF1 gene, results from a deletion of one nucleotide at nucleotide position 7371, causing a translational frameshift with a predicted alternate stop codon (p.H2458Ifs*10). This alteration is expected to result in loss of function by premature protein truncation or nonsense-mediated mRNA decay. As such, this alteration is interpreted as a disease-causing mutation.

NM_001042492.3(NF1):c.7434del (p.His2479fs)

Gene: NF1 (neurofibromin 1; plus strand). Cytogenetic location: 17q11.2.
Variant type: Deletion.
Coding change: c.7434del on transcript NM_001042492.3 (MANE Select); coding-DNA position 7434, one base deleted (T; older notation c.7434delT).
Protein change: p.His2479fs; shifts the reading frame from histidine 2479.
Molecular consequence: frameshift variant.
Genome position (GRCh38, 1-based): chr17:31,350,295, T deleted; the last of 2 consecutive T bases (chr17:31,350,294-31,350,295); deleting either gives the same sequence. VCF-style (leftmost placement, unchanged base first): chr17-31350293-AT-A. GRCh37 (hg19) VCF-style: chr17-29677311-AT-A.
Other names: c.7371delT, p.His2458Ilefs (NM_000267.4); c.7371delT (NM_000267.3); short protein forms H2458fs, H2479fs.
Identifiers: ClinVar variation 3879043 (VCV003879043.1).